The following is an entry in ClinVar:

ClinVar aggregate classification (germline): Uncertain significance (0 of 4 stars; one submission).

Conditions:
TRRAP-related disorder. Also called: TRRAP-related condition.

Allele frequency attached by ClinVar (database versions not stated): gnomAD exomes below 0.00001; gnomAD 0.00001; ExAC 0.00002.
gnomAD v4.1: 6 of 1,613,016 alleles (0.00037%); highest among the groups gnomAD compares: South Asian, 0.0022%; no homozygotes.

Submission:

PreventionGenetics, part of Exact Sciences
Classification: Uncertain significance for TRRAP-related condition. Last evaluated: 2023-12-08. Review status: no assertion criteria provided. Collection method: clinical testing. Allele origin: germline.
Comment: The TRRAP c.7586G>A variant is predicted to result in the amino acid substitution p.Arg2529Gln. To our knowledge, this variant has not been reported in the literature. This variant is reported in 0.0018% of alleles in individuals of European (Non-Finnish) descent in gnomAD. At this time, the clinical significance of this variant is uncertain due to the absence of conclusive functional and genetic evidence.

NM_001375524.1(TRRAP):c.7661G>A (p.Arg2554Gln)

Gene: TRRAP (transformation/transcription domain associated protein; plus strand). Cytogenetic location: 7q22.1.
Variant type: single nucleotide variant.
Coding change: c.7661G>A on transcript NM_001375524.1 (MANE Select); coding-DNA position 7661, G replaced by A.
Protein change: p.Arg2554Gln; replaces arginine 2554 with glutamine.
Molecular consequence: missense variant.
Genome position (GRCh38, 1-based): chr7:98,970,260, G>A. VCF-style: chr7-98970260-G-A. GRCh37 (hg19) VCF-style: chr7-98567883-G-A.
Other names: c.7640G>A, p.Arg2547Gln (NM_001244580.2); c.7586G>A, p.Arg2529Gln (NM_003496.4); short protein forms R2529Q, R2547Q, R2554Q.
Identifiers: ClinVar variation 3048451 (VCV003048451.2), dbSNP rs772690920, ClinGen allele CA4361206.